The following is an entry in ClinVar:

ClinVar aggregate classification (germline): Pathogenic/Likely pathogenic. Review status: criteria provided, multiple submitters, no conflicts (2 of 4 stars). 6 submissions from 6 submitters: Pathogenic (1); Likely pathogenic (3). 2 of the submissions do not count toward it. Last evaluated 2024-05-13.

Conditions:
Lynch syndrome. Identifiers: Orphanet 144, MedGen C4552100, MONDO:0005835. Disease mechanism: loss of function.
Lynch syndrome 5 (LYNCH5). Also called: Colorectal cancer, hereditary nonpolyposis, type 5; Hereditary non-polyposis colorectal cancer, type 5. Identifiers: Orphanet 144, MedGen C1833477, MONDO:0013710, OMIM 614350. Disease mechanism: loss of function.
Hereditary nonpolyposis colorectal neoplasms. Identifiers: MedGen C0009405, MeSH D003123.
Hereditary cancer-predisposing syndrome. Also called: Tumor predisposition; Hereditary neoplastic syndrome; Neoplastic Syndromes, Hereditary; Hereditary Cancer Syndrome. Identifiers: Orphanet 140162, MedGen C0027672, MeSH D009386, MONDO:0015356.

Submissions (6):

GeneDx
Classification: Likely pathogenic. Last evaluated: 2024-05-13. Review status: criteria provided, single submitter. Criteria: GeneDx Variant Classification Process June 2021. Collection method: clinical testing. Allele origin: germline. Affected: yes.
Comment: Published functional studies demonstrate reduced mismatch repair (MMR) activity (PMID: 31965077); In silico analysis supports that this missense variant has a deleterious effect on protein structure/function; Not observed at significant frequency in large population cohorts (gnomAD); This variant is associated with the following publications: (PMID: 31965077, 17531815, 21120944)

Labcorp Genetics (formerly Invitae), Labcorp
Classification: Likely pathogenic for Hereditary nonpolyposis colorectal neoplasms. Last evaluated: 2024-03-26. Review status: criteria provided, single submitter. Criteria: Invitae Variant Classification Sherloc (09022015). Collection method: clinical testing. Allele origin: germline.
Comment: This sequence change replaces glycine, which is neutral and non-polar, with aspartic acid, which is acidic and polar, at codon 1157 of the MSH6 protein (p.Gly1157Asp). This variant is not present in population databases (gnomAD no frequency). This variant has not been reported in the literature in individuals affected with MSH6-related conditions. ClinVar contains an entry for this variant (Variation ID: 619540). Advanced modeling of protein sequence and biophysical properties (such as structural, functional, and spatial information, amino acid conservation, physicochemical variation, residue mobility, and thermodynamic stability) performed at Invitae indicates that this missense variant is expected to disrupt MSH6 protein function with a positive predictive value of 95%. This variant disrupts the p.Gly1157 amino acid residue in MSH6. Other variant(s) that disrupt this residue have been determined to be pathogenic (Invitae). This suggests that this residue is clinically significant, and that variants that disrupt this residue are likely to be disease-causing. In summary, the currently available evidence indicates that the variant is pathogenic, but additional data are needed to prove that conclusively. Therefore, this variant has been classified as Likely Pathogenic.

Myriad Genetics, Inc.
Classification: Likely pathogenic for Lynch syndrome 5. Last evaluated: 2023-08-23. Review status: criteria provided, single submitter. Criteria: Myriad Autosomal Dominant, Autosomal Recessive and X-Linked Classification Criteria (2023). Collection method: clinical testing. Allele origin: unknown.
Comment: This variant is considered likely pathogenic. Functional studies indicate this variant impacts protein function [PMID: 31965077]. This variant is expected to disrupt protein structure [Myriad internal data].

Ambry Genetics
Classification: Pathogenic for Hereditary cancer-predisposing syndrome. Last evaluated: 2021-08-18. Review status: criteria provided, single submitter. Criteria: Ambry Variant Classification Scheme 2023. Collection method: clinical testing. Allele origin: germline.
Comment: The p.G1157D variant (also known as c.3470G>A), located in coding exon 6 of the MSH6 gene, results from a G to A substitution at nucleotide position 3470. The glycine at codon 1157 is replaced by aspartic acid, an amino acid with similar properties. In one functional study, this variant demonstrated deficient mismatch repair activity in an in vitro complementation assay (Drost M et al. Genet Med, 2020 05;22:847-856). Based on internal structural analysis using published crystal structures, G1157D disrupts the local structure in the ATPase domain (Warren JJ et al. Mol Cell, 2007 May;26:579-92; Ambry internal data). Another alteration at the same codon, p.G1157C (c.3469G>T), has been identified in several individuals whose Lynch-associated tumor demonstrated high microsatellite instability (MSI-H) and/or isolated loss of MSH6 protein expression on immunohistochemistry (IHC) (Ambry internal data). This variant is considered to be rare based on population cohorts in the Genome Aggregation Database (gnomAD). This amino acid position is highly conserved in available vertebrate species. In addition, this alteration is predicted to be deleterious by in silico analysis. Based on the supporting evidence, this alteration is interpreted as a disease-causing mutation.

Color Diagnostics, LLC DBA Color Health
Classification: Uncertain significance for Hereditary cancer-predisposing syndrome. Last evaluated: 2018-11-27. Review status: flagged submission. Criteria: ACMG Guidelines, 2015. Collection method: clinical testing. Allele origin: germline. Not counted in ClinVar's aggregate classification.
ClinVar note: Reason: Older claim that does not account for recent evidence

University of Washington Department of Laboratory Medicine, University of Washington
Classification: Uncertain significance for Lynch syndrome. Last evaluated: 2018-05-01. Review status: flagged submission. Criteria: Shirts BH et al. (Am J Hum Genet 2018). Collection method: clinical testing. Allele origin: somatic. Affected: yes. Not counted in ClinVar's aggregate classification.
Comment: MSH6 NM_000179.2:c.3470G>A has a 93.3% probability of pathogenicity based on combining prior probability from public data with a likelihood ratio of 1.56 to 1, generated from evidence of seeing this as a somatic mutation in a tumor without loss of heterozygosity at the MSH6 locus. See Shirts et al 2018, PMID 29887214.
ClinVar note: Reason: Older claim that does not account for recent evidence

Literature cited by the submitters: PubMed 31965077 (cited by Myriad Genetics, Inc. and Ambry Genetics); PubMed 17531815 (cited by Ambry Genetics).

NM_000179.3(MSH6):c.3470G>A (p.Gly1157Asp)

Gene: MSH6 (mutS homolog 6; plus strand). Cytogenetic location: 2p16.3.
Variant type: single nucleotide variant.
Coding change: c.3470G>A on transcript NM_000179.3 (MANE Select); coding-DNA position 3470, G replaced by A.
Protein change: p.Gly1157Asp; replaces glycine 1157 with aspartic acid.
Molecular consequence: missense variant.
Genome position (GRCh38, 1-based): chr2:47,804,941, G>A. VCF-style: chr2-47804941-G-A. GRCh37 (hg19) VCF-style: chr2-48032080-G-A.
Other names: c.3080G>A, p.Gly1027Asp (NM_001281492.2); c.2564G>A, p.Gly855Asp (NM_001281493.2, NM_001281494.2); short protein forms G1157D, G1027D, G855D.
Identifiers: ClinVar variation 619540 (VCV000619540.11), dbSNP rs752212361, ClinGen allele CA346760094.
Genomic context (GRCh38, chr2:47,804,941, plus strand): 5'-TAAAAGACCTTTTCCTCCCTCATTCACAGGCTGGCTTATTAGCTGTAATGGCCCAGATGG[G>A]TTGTTACGTCCCTGCTGAAGTGTGCAGGCTCACACCAATTGATAGAGTGTTTACTAGACT-3'
Protein context (NP_000170.1, residues 1147-1167): AGLLAVMAQM[Gly1157Asp]CYVPAEVCRL